The following is an entry in ClinVar:

NM_001010892.3(RSPH4A):c.72_73dup (p.Glu25fs)

Genes: RSPH4A (radial spoke head component 4A; plus strand), LOC129997052 (ATAC-STARR-seq lymphoblastoid active region 24998; plus strand). Cytogenetic location: 6q22.1.
Variant type: Duplication.
Coding change: c.72_73dup on transcript NM_001010892.3 (MANE Select); coding-DNA positions 72 to 73, 2 bases duplicated (GG; older notation c.72_73dupGG).
Protein change: p.Glu25fs; shifts the reading frame from glutamic acid 25.
Molecular consequence: frameshift variant.
Genome position (GRCh38, 1-based): chr6:116,616,695-116,616,696, GG duplicated; duplicating any 2 consecutive bases within chr6:116,616,694-116,616,696 gives the same sequence; the c. name uses the placement nearest the transcript's 3' end. VCF-style (leftmost placement, unchanged base first): chr6-116616693-T-TGG. GRCh37 (hg19) VCF-style: chr6-116937856-T-TGG.
Other names: c.72_73dup, p.Glu25fs (NM_001161664.2); short protein forms E25fs.
Identifiers: ClinVar variation 5028451 (VCV005028451.1).
Genomic context (GRCh38, chr6:116,616,693, plus strand): 5'-TCAACCTCCCCGAAGCAAGAAAAAGAAAACCAAGAAGAACTAGGGGAAACAAGGCGGCCA[T>TGG]GGGAAGGAAAGACAGCAGCTTCTCCCCAATATTCTGAGCCTGAGTCGTCTGAGCCCTTGG-3'

ClinVar aggregate classification (germline): Pathogenic (1 of 4 stars; one submission).

Conditions:
Primary ciliary dyskinesia. Also called: Ciliary dyskinesia. Identifiers: Orphanet 244, MedGen C0008780, MONDO:0016575, HP:0012265.

Submission:

Ambry Genetics
Classification: Pathogenic for Primary ciliary dyskinesia. Last evaluated: 2026-07-22. Review status: criteria provided, single submitter. Criteria: Ambry Variant Classification Scheme 2023. Collection method: clinical testing. Allele origin: germline.
Comment: The c.72_73dupGG pathogenic mutation, located in coding exon 1 of the RSPH4A gene, results from a duplication of GG at nucleotide position 72, causing a translational frameshift with a predicted alternate stop codon (p.E25Gfs*93). This variant is considered to be rare based on population cohorts in the Genome Aggregation Database (gnomAD). This alteration is expected to result in loss of function by premature protein truncation or nonsense-mediated mRNA decay. As such, this alteration is interpreted as a disease-causing mutation.